The following is an entry in ClinVar:

ClinVar aggregate classification (germline): Uncertain significance. Review status: criteria provided, multiple submitters, no conflicts (2 of 4 stars). 3 submissions from 3 submitters: Uncertain significance (3). Last evaluated 2025-10-28.

Conditions:
Inborn genetic diseases. Identifiers: MedGen C0950123, MeSH D030342.
Developmental and epileptic encephalopathy, 11 (DEE11). Also called: Early infantile epileptic encephalopathy 11. Identifiers: Orphanet 1934, MedGen C3150987, MONDO:0013388, OMIM 613721.
Seizures, benign familial infantile, 3 (BFIS3). Also called: CONVULSIONS, BENIGN FAMILIAL INFANTILE, 3; Familial neonatal seizures. Identifiers: Orphanet 140927, Orphanet 306, MedGen C1843140, MONDO:0011904, OMIM 607745.

Allele frequency attached by ClinVar (database versions not stated): gnomAD exomes below 0.00001; TOPMed 0.00001.
gnomAD v4.1: 11 of 1,613,810 alleles (0.00068%); highest among the groups gnomAD compares: Non-Finnish European, 0.00059%; no homozygotes.

Submissions (3):

Ambry Genetics
Classification: Uncertain significance for Inborn genetic diseases. Last evaluated: 2025-10-28. Review status: criteria provided, single submitter. Criteria: Ambry Variant Classification Scheme 2023. Collection method: clinical testing. Allele origin: germline.

GeneDx
Classification: Uncertain significance. Last evaluated: 2023-01-24. Review status: criteria provided, single submitter. Criteria: GeneDx Variant Classification Process June 2021. Collection method: clinical testing. Allele origin: germline. Affected: yes.
Comment: Not observed at significant frequency in large population cohorts (gnomAD); Missense variants in this gene are often considered pathogenic (HGMD); In silico analysis supports that this missense variant has a deleterious effect on protein structure/function; Has not been previously published as pathogenic or benign to our knowledge; This substitution is predicted to be within the C-terminal cytoplasmic domain

Labcorp Genetics (formerly Invitae), Labcorp
Classification: Uncertain significance for Seizures, benign familial infantile, 3; Developmental and epileptic encephalopathy, 11. Last evaluated: 2020-05-04. Review status: criteria provided, single submitter. Criteria: Invitae Variant Classification Sherloc (09022015). Collection method: clinical testing. Allele origin: germline.
Comment: This sequence change replaces threonine with arginine at codon 678 of the SCN2A protein (p.Thr678Arg). The threonine residue is moderately conserved and there is a moderate physicochemical difference between threonine and arginine. This variant is not present in population databases (ExAC no frequency). This variant has not been reported in the literature in individuals with SCN2A-related conditions. Algorithms developed to predict the effect of missense changes on protein structure and function are either unavailable or do not agree on the potential impact of this missense change (SIFT: "Deleterious"; PolyPhen-2: "Benign"; Align-GVGD: "Class C0"). In summary, the available evidence is currently insufficient to determine the role of this variant in disease. Therefore, it has been classified as a Variant of Uncertain Significance.

NM_001040142.2(SCN2A):c.2033C>G (p.Thr678Arg)

Gene: SCN2A (sodium voltage-gated channel alpha subunit 2; plus strand). Cytogenetic location: 2q24.3.
Variant type: single nucleotide variant.
Coding change: c.2033C>G on transcript NM_001040142.2 (MANE Select); coding-DNA position 2033, C replaced by G.
Protein change: p.Thr678Arg; replaces threonine 678 with arginine.
Molecular consequence: missense variant.
Genome position (GRCh38, 1-based): chr2:165,326,868, C>G. VCF-style: chr2-165326868-C-G. GRCh37 (hg19) VCF-style: chr2-166183378-C-G.
Other names: c.2033C>G (NM_021007.2); c.2033C>G, p.Thr678Arg (NM_001040143.2, NM_001371246.1, NM_001371247.1 and 1 more transcripts); short protein forms T678R.
Identifiers: ClinVar variation 1027259 (VCV001027259.9), dbSNP rs1446046264, ClinGen allele CA349029030.